The following is an entry in ClinVar:

NM_001009999.3(KDM1A):c.2298+8_2298+9delinsAA

Gene: KDM1A (lysine demethylase 1A; plus strand). Cytogenetic location: 1p36.12.
Variant type: Indel.
Coding change: c.2298+8_2298+9delinsAA on transcript NM_001009999.3 (MANE Select); bases 8 to 9 of the intron after coding-DNA position 2298, GG replaced by AA.
Molecular consequence: intron variant.
Genome position (GRCh38, 1-based): chr1:23,081,581-23,081,582, GG replaced by AA. VCF-style: chr1-23081581-GG-AA. GRCh37 (hg19) VCF-style: chr1-23408074-GG-AA.
Other names: c.2226+8_2226+9delinsAA (NM_001410763.1, NM_015013.4); c.2304+8_2304+9delinsAA (NM_001410762.1); c.2244+8_2244+9delinsAA (NM_001363654.2).
Identifiers: ClinVar variation 4082459 (VCV004082459.2).

ClinVar aggregate classification (germline): Uncertain significance (1 of 4 stars; one submission).

Submission:

Genetic Services Laboratory, University of Chicago
Classification: Uncertain significance. Last evaluated: 2024-10-01. Review status: criteria provided, single submitter. Criteria: ACMG Guidelines, 2015. Collection method: clinical testing. Allele origin: germline. Affected: no.
Comment: DNA sequence analysis of the KDM1A gene demonstrated a deletion and insertion of 2 base pairs in intron 19, c.2298+8_2298+9delinsAA. This change does not appear to have been previously described in individuals with KDM1A-related disorders and has also not been described in the population databases such as ExAC and gnomAD In-silico splice prediction programs provide inconclusive results for this sequence change. It is possible that this sequence change represents a benign sequence change in the KDM1A gene that has not been identified to date. The functional significance of this sequence change is not known at present.